The following is an entry in ClinVar:

ClinVar aggregate classification (germline): Uncertain significance (1 of 4 stars; one submission).

Allele frequency attached by ClinVar (database versions not stated): ExAC 0.00002; 1000 Genomes Project 30x 0.00016; 1000 Genomes Project 0.00020.
gnomAD v4.1: 17 of 1,611,546 alleles (0.0011%); highest among the groups gnomAD compares: Non-Finnish European, 0.00017%; no homozygotes.

Submission:

Labcorp Genetics (formerly Invitae), Labcorp
Classification: Uncertain significance. Last evaluated: 2022-08-22. Review status: criteria provided, single submitter. Criteria: Invitae Variant Classification Sherloc (09022015). Collection method: clinical testing. Allele origin: germline.
Comment: Algorithms developed to predict the effect of missense changes on protein structure and function (SIFT, PolyPhen-2, Align-GVGD) all suggest that this variant is likely to be tolerated. This variant is present in population databases (rs200626732, gnomAD 0.02%). This variant has not been reported in the literature in individuals affected with NFKB1-related conditions. In summary, the available evidence is currently insufficient to determine the role of this variant in disease. Therefore, it has been classified as a Variant of Uncertain Significance. This sequence change replaces leucine, which is neutral and non-polar, with phenylalanine, which is neutral and non-polar, at codon 570 of the NFKB1 protein (p.Leu570Phe).

NM_003998.4(NFKB1):c.1710G>T (p.Leu570Phe)

Genes: NFKB1 (nuclear factor kappa B subunit 1; plus strand), LOC126807127 (CDK7 strongly-dependent group 2 enhancer GRCh37_chr4:103521788-103522987; plus strand). Cytogenetic location: 4q24.
Variant type: single nucleotide variant.
Coding change: c.1710G>T on transcript NM_003998.4 (MANE Select); coding-DNA position 1710, G replaced by T.
Protein change: p.Leu570Phe; replaces leucine 570 with phenylalanine.
Molecular consequence: missense variant.
Genome position (GRCh38, 1-based): chr4:102,600,967, G>T. VCF-style: chr4-102600967-G-T. GRCh37 (hg19) VCF-style: chr4-103522124-G-T.
Other names: c.1707G>T, p.Leu569Phe (NM_001165412.2, NM_001319226.2, NM_001382627.1); c.1710G>T, p.Leu570Phe (NM_001382625.1, NM_001382626.1); c.1668G>T, p.Leu556Phe (NM_001382628.1); short protein forms L570F, L569F, L556F.
Identifiers: ClinVar variation 1957497 (VCV001957497.5), dbSNP rs200626732, ClinGen allele CA3026231.